The following is an entry in ClinVar:

NM_000287.4(PEX6):c.1483C>T (p.Pro495Ser)

Gene: PEX6 (peroxisomal biogenesis factor 6; minus strand). Cytogenetic location: 6p21.1.
Variant type: single nucleotide variant.
Coding change: c.1483C>T on transcript NM_000287.4 (MANE Select); coding-DNA position 1483, C replaced by T.
Protein change: p.Pro495Ser; replaces proline 495 with serine.
Molecular consequence: missense variant. On other transcripts: non-coding transcript variant (1).
Genome position (GRCh38, 1-based): chr6:42,968,495, G>A on the plus strand (C>T on the coding strand, the complement: PEX6 is on the minus strand). VCF-style: chr6-42968495-G-A. GRCh37 (hg19) VCF-style: chr6-42936233-G-A.
Other names: c.1219C>T, p.Pro407Ser (NM_001316313.2); short protein forms P407S, P495S.
Identifiers: ClinVar variation 2159788 (VCV002159788.1), dbSNP rs1168191307, ClinGen allele CA364154659.

ClinVar aggregate classification (germline): Uncertain significance (1 of 4 stars; one submission).

Conditions:
Peroxisome biogenesis disorder. Identifiers: Orphanet 79189, MedGen C1832200, MONDO:0019234. Disease mechanism: loss of function.

Allele frequency attached by ClinVar (database versions not stated): gnomAD 0.00001; gnomAD exomes 0.00001.
gnomAD v4.1: 4 of 1,569,536 alleles (0.00025%); highest among the groups gnomAD compares: South Asian, 0.0012%; no homozygotes.

Submission:

Labcorp Genetics (formerly Invitae), Labcorp
Classification: Uncertain significance for Peroxisome biogenesis disorder. Last evaluated: 2022-04-12. Review status: criteria provided, single submitter. Criteria: Invitae Variant Classification Sherloc (09022015). Collection method: clinical testing. Allele origin: germline.
Comment: This sequence change replaces proline, which is neutral and non-polar, with serine, which is neutral and polar, at codon 495 of the PEX6 protein (p.Pro495Ser). This variant is present in population databases (no rsID available, gnomAD 0.007%). This variant has not been reported in the literature in individuals affected with PEX6-related conditions. Algorithms developed to predict the effect of missense changes on protein structure and function (SIFT, PolyPhen-2, Align-GVGD) all suggest that this variant is likely to be tolerated. In summary, the available evidence is currently insufficient to determine the role of this variant in disease. Therefore, it has been classified as a Variant of Uncertain Significance.